The following is an entry in ClinVar:

NM_002471.4(MYH6):c.4187C>T (p.Ala1396Val)

Gene: MYH6 (myosin heavy chain 6; minus strand). Cytogenetic location: 14q11.2.
Variant type: single nucleotide variant.
Coding change: c.4187C>T on transcript NM_002471.4 (MANE Select); coding-DNA position 4187, C replaced by T.
Protein change: p.Ala1396Val; replaces alanine 1396 with valine.
Molecular consequence: missense variant.
Genome position (GRCh38, 1-based): chr14:23,388,327, G>A on the plus strand (C>T on the coding strand, the complement: MYH6 is on the minus strand). VCF-style: chr14-23388327-G-A. GRCh37 (hg19) VCF-style: chr14-23857536-G-A.
Other names: short protein forms A1396V.
Identifiers: ClinVar variation 3649807 (VCV003649807.2).

ClinVar aggregate classification (germline): Uncertain significance (1 of 4 stars; one submission).

Conditions:
Hypertrophic cardiomyopathy 14. Identifiers: MedGen C2750467, MONDO:0013197, OMIM 613251.

Submission:

Labcorp Genetics (formerly Invitae), Labcorp
Classification: Uncertain significance for Hypertrophic cardiomyopathy 14. Last evaluated: 2024-04-30. Review status: criteria provided, single submitter. Criteria: Invitae Variant Classification Sherloc (09022015). Collection method: clinical testing. Allele origin: germline.
Comment: This sequence change replaces alanine, which is neutral and non-polar, with valine, which is neutral and non-polar, at codon 1396 of the MYH6 protein (p.Ala1396Val). This variant is not present in population databases (gnomAD no frequency). This variant has not been reported in the literature in individuals affected with MYH6-related conditions. Advanced modeling of protein sequence and biophysical properties (such as structural, functional, and spatial information, amino acid conservation, physicochemical variation, residue mobility, and thermodynamic stability) performed at Invitae indicates that this missense variant is not expected to disrupt MYH6 protein function with a negative predictive value of 80%. In summary, the available evidence is currently insufficient to determine the role of this variant in disease. Therefore, it has been classified as a Variant of Uncertain Significance.